The following is an entry in ClinVar:

NM_001393586.1(MYO7B):c.3385C>T (p.Arg1129Trp)

Gene: MYO7B (myosin VIIB; plus strand). Cytogenetic location: 2q14.3.
Variant type: single nucleotide variant.
Coding change: c.3385C>T on transcript NM_001393586.1 (MANE Select); coding-DNA position 3385, C replaced by T.
Protein change: p.Arg1129Trp; replaces arginine 1129 with tryptophan.
Molecular consequence: missense variant.
Genome position (GRCh38, 1-based): chr2:127,612,590, C>T. VCF-style: chr2-127612590-C-T. GRCh37 (hg19) VCF-style: chr2-128370165-C-T.
Other names: c.3307C>T, p.Arg1103Trp (NM_001080527.2); short protein forms R1103W, R1129W.
Identifiers: ClinVar variation 3040129 (VCV003040129.3), dbSNP rs61742351, ClinGen allele CA1861404.

ClinVar aggregate classification (germline): Uncertain significance. Review status: criteria provided, single submitter (1 of 4 stars). 2 submissions from 2 submitters: Uncertain significance (1). 1 of the submissions does not count toward it. Last evaluated 2025-08-19.

Conditions:
MYO7B-related disorder. Also called: MYO7B-related condition.

Allele frequency attached by ClinVar (database versions not stated): gnomAD exomes 0.00023; ExAC 0.00080; ESP Exome Variant Server 0.00181; gnomAD 0.00208; TOPMed 0.00243; 1000 Genomes Project 30x 0.00328; 1000 Genomes Project 0.00379.
gnomAD v4.1: 661 of 1,609,700 alleles (0.041%); highest among the groups gnomAD compares: African/African-American, 0.66%; 3 homozygotes.

Submissions (2):

Ambry Genetics
Classification: Uncertain significance. Last evaluated: 2025-08-19. Review status: criteria provided, single submitter. Criteria: Ambry Variant Classification Scheme 2023. Collection method: clinical testing. Allele origin: germline.

PreventionGenetics, part of Exact Sciences
Classification: Likely benign for MYO7B-related condition. Last evaluated: 2023-03-13. Review status: no assertion criteria provided. Collection method: clinical testing. Allele origin: germline. Not counted in ClinVar's aggregate classification.
Comment: This variant is classified as likely benign based on ACMG/AMP sequence variant interpretation guidelines (Richards et al. 2015 PMID: 25741868, with internal and published modifications).